The following is an entry in ClinVar:

ClinVar aggregate classification (germline): Likely pathogenic (1 of 4 stars; one submission).

Conditions:
Adams-Oliver syndrome 2 (AOS2). Identifiers: Orphanet 974, MedGen C3280182, MONDO:0013635, OMIM 614219.

Allele frequency attached by ClinVar (database versions not stated): gnomAD exomes below 0.00001 and 0.00005; TOPMed 0.00003; gnomAD 0.00004.
gnomAD v4.1: 77 of 1,608,768 alleles (0.0048%); highest among the groups gnomAD compares: Non-Finnish European, 0.0065%; no homozygotes.

Submission:

Baylor Genetics
Classification: Likely pathogenic for Adams-Oliver syndrome 2. Last evaluated: 2020-08-04. Review status: criteria provided, single submitter. Criteria: ACMG Guidelines, 2015. Collection method: clinical testing. Allele origin: unknown. Affected: yes.
Comment: This variant was determined to be likely pathogenic according to ACMG Guidelines, 2015 [PMID:25741868].

NM_020812.4(DOCK6):c.1987C>T (p.Gln663Ter)

Gene: DOCK6 (dedicator of cytokinesis 6; minus strand). Cytogenetic location: 19p13.2.
Variant type: single nucleotide variant.
Coding change: c.1987C>T on transcript NM_020812.4 (MANE Select); coding-DNA position 1987, C replaced by T.
Protein change: p.Gln663Ter; replaces glutamine 663 with a stop codon.
Molecular consequence: nonsense.
Genome position (GRCh38, 1-based): chr19:11,237,542, G>A on the plus strand (C>T on the coding strand, the complement: DOCK6 is on the minus strand). VCF-style: chr19-11237542-G-A. GRCh37 (hg19) VCF-style: chr19-11348218-G-A.
Other names: c.1987C>T, p.Gln663Ter (NM_001367830.1); short protein forms Q663*.
Identifiers: ClinVar variation 1028688 (VCV001028688.1), dbSNP rs936266747, ClinGen allele CA305335378.